The following is an entry in ClinVar:

NM_000019.4(ACAT1):c.120+1G>A

Gene: ACAT1 (acetyl-CoA acetyltransferase 1; plus strand). Cytogenetic location: 11q22.3.
Variant type: single nucleotide variant.
Coding change: c.120+1G>A on transcript NM_000019.4 (MANE Select); the canonical splice donor site of the intron after coding-DNA position 120, G replaced by A.
Molecular consequence: splice donor variant.
Genome position (GRCh38, 1-based): chr11:108,131,955, G>A. VCF-style: chr11-108131955-G-A. GRCh37 (hg19) VCF-style: chr11-108002682-G-A.
Other names: c.-151+1G>A (NM_001386682.1, NM_001386681.1, NM_001386685.1 and 6 more transcripts); c.120+1G>A (NM_001386677.1, NM_001386678.1); c.-158+1G>A (NM_001386679.1).
Identifiers: ClinVar variation 2704179 (VCV002704179.3), dbSNP rs779908220, ClinGen allele CA228397418.

ClinVar aggregate classification (germline): Likely pathogenic (1 of 4 stars; one submission).

Conditions:
Deficiency of acetyl-CoA acetyltransferase. Also called: MITOCHONDRIAL ACETOACETYL-CoA THIOLASE DEFICIENCY; 3-KETOTHIOLASE DEFICIENCY; 3-OXOTHIOLASE DEFICIENCY; Beta-ketothiolase deficiency. Identifiers: Orphanet 134, MedGen C1536500, MONDO:0008760, OMIM 203750. Disease mechanism: loss of function.

Submission:

Labcorp Genetics (formerly Invitae), Labcorp
Classification: Likely pathogenic for Deficiency of acetyl-CoA acetyltransferase. Last evaluated: 2023-12-19. Review status: criteria provided, single submitter. Criteria: Invitae Variant Classification Sherloc (09022015). Collection method: clinical testing. Allele origin: germline.
Comment: This sequence change affects a donor splice site in intron 2 of the ACAT1 gene. It is expected to disrupt RNA splicing. Variants that disrupt the donor or acceptor splice site typically lead to a loss of protein function (PMID: 16199547), and loss-of-function variants in ACAT1 are known to be pathogenic (PMID: 7749408). This variant is not present in population databases (gnomAD no frequency). This variant has not been reported in the literature in individuals affected with ACAT1-related conditions. Algorithms developed to predict the effect of sequence changes on RNA splicing suggest that this variant may disrupt the consensus splice site. In summary, the currently available evidence indicates that the variant is pathogenic, but additional data are needed to prove that conclusively. Therefore, this variant has been classified as Likely Pathogenic.

Literature cited by the submitters: PubMed 16199547; PubMed 7749408.